The following is an entry in ClinVar:

NM_001126121.2(SLC25A19):c.628G>A (p.Glu210Lys)

Gene: SLC25A19 (solute carrier family 25 member 19; minus strand). Cytogenetic location: 17q25.1.
Variant type: single nucleotide variant.
Coding change: c.628G>A on transcript NM_001126121.2 (MANE Select); coding-DNA position 628, G replaced by A.
Protein change: p.Glu210Lys; replaces glutamic acid 210 with lysine.
Molecular consequence: missense variant.
Genome position (GRCh38, 1-based): chr17:75,278,167, C>T on the plus strand (G>A on the coding strand, the complement: SLC25A19 is on the minus strand). VCF-style: chr17-75278167-C-T. GRCh37 (hg19) VCF-style: chr17-73274248-C-T.
Other names: c.628G>A (NM_021734.4); c.628G>A, p.Glu210Lys (NM_001126122.2, NM_021734.5); short protein forms E210K.
Identifiers: ClinVar variation 1910845 (VCV001910845.6), dbSNP rs781118725, ClinGen allele CA8760939.
Genomic context (GRCh38, chr17:75,278,167, plus strand): 5'-GTGGCTGGGGTGGGAGGGCTCCCTCTCGTGTGAGGGCTGCCTCACCATTTTTCTTTCCTT[C>T]GGCTGGTATGGCCCACTTGTACAGGTGCTTCAAGGAGCTGTAGCAAGAGAACTGCAGCCC-3'
Protein context (NP_001119593.1, residues 200-220): KHLYKWAIPA[Glu210Lys]GKKNENLQNL

ClinVar aggregate classification (germline): Uncertain significance. Review status: criteria provided, multiple submitters, no conflicts (2 of 4 stars). 2 submissions from 2 submitters: Uncertain significance (2). Last evaluated 2025-08-04.

Conditions:
Inborn genetic diseases. Identifiers: MedGen C0950123, MeSH D030342.

Allele frequency attached by ClinVar (database versions not stated): TOPMed below 0.00001; gnomAD 0.00001; ExAC 0.00006.

Submissions (2):

Ambry Genetics
Classification: Uncertain significance for Inborn genetic diseases. Last evaluated: 2025-08-04. Review status: criteria provided, single submitter. Criteria: Ambry Variant Classification Scheme 2023. Collection method: clinical testing. Allele origin: germline.

Labcorp Genetics (formerly Invitae), Labcorp
Classification: Uncertain significance. Last evaluated: 2022-07-26. Review status: criteria provided, single submitter. Criteria: Invitae Variant Classification Sherloc (09022015). Collection method: clinical testing. Allele origin: germline.
Comment: Algorithms developed to predict the effect of missense changes on protein structure and function (SIFT, PolyPhen-2, Align-GVGD) all suggest that this variant is likely to be tolerated. In summary, the available evidence is currently insufficient to determine the role of this variant in disease. Therefore, it has been classified as a Variant of Uncertain Significance. This variant has not been reported in the literature in individuals affected with SLC25A19-related conditions. This variant is present in population databases (rs781118725, gnomAD 0.005%). This sequence change replaces glutamic acid, which is acidic and polar, with lysine, which is basic and polar, at codon 210 of the SLC25A19 protein (p.Glu210Lys).